The following is an entry in ClinVar:

ClinVar aggregate classification (germline): Uncertain significance. Review status: criteria provided, multiple submitters, no conflicts (2 of 4 stars). 2 submissions from 2 submitters: Uncertain significance (2). Last evaluated 2024-12-14.

Allele frequency attached by ClinVar (database versions not stated): gnomAD 0.00010 and 0.00011; ExAC 0.00015; TOPMed 0.00018; ESP Exome Variant Server 0.00023.

Submissions (2):

Ambry Genetics
Classification: Uncertain significance. Last evaluated: 2024-12-14. Review status: criteria provided, single submitter. Criteria: Ambry Variant Classification Scheme 2023. Collection method: clinical testing. Allele origin: germline.

Labcorp Genetics (formerly Invitae), Labcorp
Classification: Uncertain significance. Last evaluated: 2022-08-03. Review status: criteria provided, single submitter. Criteria: Invitae Variant Classification Sherloc (09022015). Collection method: clinical testing. Allele origin: germline.
Comment: This sequence change replaces proline, which is neutral and non-polar, with threonine, which is neutral and polar, at codon 431 of the RUSC2 protein (p.Pro431Thr). This variant is present in population databases (rs371747271, gnomAD 0.02%). This variant has not been reported in the literature in individuals affected with RUSC2-related conditions. ClinVar contains an entry for this variant (Variation ID: 1415089). Algorithms developed to predict the effect of missense changes on protein structure and function are either unavailable or do not agree on the potential impact of this missense change (SIFT: "Deleterious"; PolyPhen-2: "Probably Damaging"; Align-GVGD: "Class C0"). In summary, the available evidence is currently insufficient to determine the role of this variant in disease. Therefore, it has been classified as a Variant of Uncertain Significance.

NM_014806.5(RUSC2):c.1291C>A (p.Pro431Thr)

Gene: RUSC2 (RUN and SH3 domain containing 2; plus strand). Cytogenetic location: 9p13.3.
Variant type: single nucleotide variant.
Coding change: c.1291C>A on transcript NM_014806.5 (MANE Select); coding-DNA position 1291, C replaced by A.
Protein change: p.Pro431Thr; replaces proline 431 with threonine.
Molecular consequence: missense variant. On other transcripts: non-coding transcript variant (1), intron variant (1).
Genome position (GRCh38, 1-based): chr9:35,547,812, C>A. VCF-style: chr9-35547812-C-A. GRCh37 (hg19) VCF-style: chr9-35547809-C-A.
Other names: c.1291C>A, p.Pro431Thr (NM_001135999.2); c.-620-7248C>A (NM_001330740.2); c.1291C>A (NM_001135999.1); short protein forms P431T.
Identifiers: ClinVar variation 1415089 (VCV001415089.4), dbSNP rs371747271, ClinGen allele CA5043612.